The following is an entry in ClinVar:

NM_002471.4(MYH6):c.3867G>T (p.Leu1289Phe)

Gene: MYH6 (myosin heavy chain 6; minus strand). Cytogenetic location: 14q11.2.
Variant type: single nucleotide variant.
Coding change: c.3867G>T on transcript NM_002471.4 (MANE Select); coding-DNA position 3867, G replaced by T.
Protein change: p.Leu1289Phe; replaces leucine 1289 with phenylalanine.
Molecular consequence: missense variant.
Genome position (GRCh38, 1-based): chr14:23,389,504, C>A on the plus strand (G>T on the coding strand, the complement: MYH6 is on the minus strand). VCF-style: chr14-23389504-C-A. GRCh37 (hg19) VCF-style: chr14-23858713-C-A.
Other names: short protein forms L1289F.
Identifiers: ClinVar variation 626533 (VCV000626533.19), dbSNP rs138127105, ClinGen allele CA7115030.

ClinVar aggregate classification (germline): Conflicting classifications of pathogenicity. Review status: criteria provided, conflicting classifications (1 of 4 stars). 6 submissions from 6 submitters: Uncertain significance (1); Likely benign (4). 1 of the submissions does not count toward it. Last evaluated 2026-01-15.

Conditions:
Cardiomyopathy (CMYO). Also called: Cardiomyopathies. Identifiers: Orphanet 167848, MedGen C0878544, MONDO:0004994, HP:0001638. Inheritance: Various modes of inheritance.
Hypertrophic cardiomyopathy 14. Identifiers: MedGen C2750467, MONDO:0013197, OMIM 613251.
Cardiovascular phenotype. Identifiers: MedGen CN230736.
MYH6-related disorder. Also called: MYH6-related condition; MYH6-Related Disorders.

Allele frequency attached by ClinVar (database versions not stated): TOPMed 0.00007; ESP Exome Variant Server 0.00008; gnomAD 0.00008 and 0.00013; 1000 Genomes Project 0.00040; 1000 Genomes Project 30x 0.00047.
gnomAD v4.1: 89 of 1,614,214 alleles (0.0055%); highest among the groups gnomAD compares: South Asian, 0.035%; 2 homozygotes.

Submissions (6):

Labcorp Genetics (formerly Invitae), Labcorp
Classification: Likely benign for Hypertrophic cardiomyopathy 14. Last evaluated: 2026-01-15. Review status: criteria provided, single submitter. Criteria: Invitae Variant Classification Sherloc (09022015). Collection method: clinical testing. Allele origin: germline.

Ambry Genetics
Classification: Uncertain significance for Cardiovascular phenotype. Last evaluated: 2024-10-21. Review status: criteria provided, single submitter. Criteria: Ambry Variant Classification Scheme 2023. Collection method: clinical testing. Allele origin: germline.
Comment: The p.L1289F variant (also known as c.3867G>T), located in coding exon 26 of the MYH6 gene, results from a G to T substitution at nucleotide position 3867. The leucine at codon 1289 is replaced by phenylalanine, an amino acid with highly similar properties. This variant was detected in a cardiomyopathy genetic testing cohort; however, clinical details were limited, and additional cardiac variants were detected in some cases (van Lint FHM et al. Neth Heart J, 2019 Jun;27:304-309). This amino acid position is well conserved in available vertebrate species. In addition, this alteration is predicted to be tolerated by in silico analysis. Since supporting evidence is limited at this time, the clinical significance of this alteration remains unclear.

Women's Health and Genetics/Laboratory Corporation of America, LabCorp
Classification: Likely benign. Last evaluated: 2019-11-25. Review status: criteria provided, single submitter. Criteria: LabCorp Variant Classification Summary - May 2015. Collection method: clinical testing. Allele origin: germline.
Comment: Variant summary: MYH6 c.3867G>T (p.Leu1289Phe) results in a non-conservative amino acid change located in the Myosin tail domain of the encoded protein sequence. Four of five in-silico tools predict a benign effect of the variant on protein function. The variant allele was found at a frequency of 0.00012 in 251480 control chromosomes, predominantly at a frequency of 0.00065 within the East Asian subpopulation in the gnomAD database. The observed variant frequency within East Asian control individuals in the gnomAD database is approximately 26 fold of the estimated maximal expected allele frequency for a pathogenic variant in MYH6 causing Cardiomyopathy phenotype (2.5e-05), strongly suggesting that the variant is a benign polymorphism found primarily in populations of East Asian origin. To our knowledge, no occurrence of c.3867G>T in individuals affected with Cardiomyopathy and no experimental evidence demonstrating its impact on protein function have been reported. Two ClinVar submissions (evaluation after 2014) cite the variant once as likely benign and once as uncertain significance. Two ClinVar submissions (evaluation after 2014) cite the variant once as uncertain significance and once as likely benign. Based on the evidence outlined above, the variant was classified as likely benign.

Agnes Ginges Centre for Molecular Cardiology, Centenary Institute
Classification: Likely benign for Hypertrophic cardiomyopathy 14. Last evaluated: 2018-10-04. Review status: criteria provided, single submitter. Criteria: ACMG Guidelines, 2015. Collection method: research. Allele origin: germline. Inheritance: Autosomal dominant inheritance. Affected: yes.
Comment: MYH6 Leu1289Phe has not been previously reported but is present multiple times in both the Exome Aggregation Consortium dataset (AF= 0.000115) and in the Genome Aggregation Database (AF= 0.000115) which is supportive of a benign polymorphism. Based on the high frequency in population databases, we classify MYH6 Leu1289Phe as 'likely benign'.

CHEO Genetics Diagnostic Laboratory, Children's Hospital of Eastern Ontario
Classification: Likely benign for Cardiomyopathy. Last evaluated: 2017-10-31. Review status: criteria provided, single submitter. Criteria: ACMG Guidelines, 2015. Collection method: clinical testing. Allele origin: germline.

PreventionGenetics, part of Exact Sciences
Classification: Uncertain significance for MYH6-related condition. Last evaluated: 2024-07-15. Review status: no assertion criteria provided. Collection method: clinical testing. Allele origin: germline. Not counted in ClinVar's aggregate classification.
Comment: The MYH6 c.3867G>T variant is predicted to result in the amino acid substitution p.Leu1289Phe. To our knowledge, this variant has not been reported in the literature. This variant is reported in 0.060% of alleles in individuals of East Asian descent in gnomAD. Although we suspect that this variant may be benign, at this time, the clinical significance of this variant is uncertain due to the absence of conclusive functional and genetic evidence.

Literature cited by the submitters: PubMed 30847666 (cited by Ambry Genetics).